The following is an entry in ClinVar:

NM_032387.5(WNK4):c.703C>T (p.Arg235Cys)

Gene: WNK4 (WNK lysine deficient protein kinase 4; plus strand). Cytogenetic location: 17q21.2.
Variant type: single nucleotide variant.
Coding change: c.703C>T on transcript NM_032387.5 (MANE Select); coding-DNA position 703, C replaced by T.
Protein change: p.Arg235Cys; replaces arginine 235 with cysteine.
Molecular consequence: missense variant. On other transcripts: 5 prime UTR variant (1).
Genome position (GRCh38, 1-based): chr17:42,782,842, C>T. VCF-style: chr17-42782842-C-T. GRCh37 (hg19) VCF-style: chr17-40934860-C-T.
Other names: c.-217C>T (NM_001321299.2); c.703C>T (NM_032387.4); short protein forms R235C.
Identifiers: ClinVar variation 2417908 (VCV002417908.9), dbSNP rs771058697, ClinGen allele CA8583744.

ClinVar aggregate classification (germline): Uncertain significance. Review status: criteria provided, multiple submitters, no conflicts (2 of 4 stars). 3 submissions from 3 submitters: Uncertain significance (3). Last evaluated 2026-04-15.

Conditions:
Pseudohypoaldosteronism type 2B (PHA2B). Also called: Pseudohypoaldosteronism Type IIB. Identifiers: Orphanet 757, Orphanet 88939, MedGen C1840390, MONDO:0013777, OMIM 614491.
Inborn genetic diseases. Identifiers: MedGen C0950123, MeSH D030342.

Allele frequency attached by ClinVar (database versions not stated): TOPMed 0.00002; ExAC 0.00002; gnomAD 0.00003.
gnomAD v4.1: 33 of 1,614,070 alleles (0.002%); highest among the groups gnomAD compares: South Asian, 0.0033%; no homozygotes.

Submissions (3):

Ambry Genetics
Classification: Uncertain significance for Inborn genetic diseases. Last evaluated: 2026-04-15. Review status: criteria provided, single submitter. Criteria: Ambry Variant Classification Scheme 2023. Collection method: clinical testing. Allele origin: germline.
Comment: The c.703C>T (p.R235C) alteration is located in exon 2 (coding exon 2) of the WNK4 gene. This alteration results from a C to T substitution at nucleotide position 703, causing the arginine (R) at amino acid position 235 to be replaced by a cysteine (C). Based on data from gnomAD, the T allele has an overall frequency of 0.002% (6/282838) total alleles studied. The highest observed frequency was 0.004% (5/129156) of European (non-Finnish) alleles. Based on insufficient or conflicting evidence, the clinical significance of this alteration remains unclear.

Fulgent Genetics
Classification: Uncertain significance for Pseudohypoaldosteronism type 2B. Last evaluated: 2024-02-15. Review status: criteria provided, single submitter. Criteria: ACMG Guidelines, 2015. Collection method: clinical testing. Allele origin: germline.

Labcorp Genetics (formerly Invitae), Labcorp
Classification: Uncertain significance. Last evaluated: 2022-06-10. Review status: criteria provided, single submitter. Criteria: Invitae Variant Classification Sherloc (09022015). Collection method: clinical testing. Allele origin: germline.
Comment: In summary, the available evidence is currently insufficient to determine the role of this variant in disease. Therefore, it has been classified as a Variant of Uncertain Significance. Algorithms developed to predict the effect of missense changes on protein structure and function are either unavailable or do not agree on the potential impact of this missense change (SIFT: "Deleterious"; PolyPhen-2: "Not Available"; Align-GVGD: "Class C65"). This variant has not been reported in the literature in individuals affected with WNK4-related conditions. This variant is present in population databases (rs771058697, gnomAD 0.004%). This sequence change replaces arginine, which is basic and polar, with cysteine, which is neutral and slightly polar, at codon 235 of the WNK4 protein (p.Arg235Cys).